The following is an entry in ClinVar:

ClinVar aggregate classification (germline): Conflicting classifications of pathogenicity. Review status: criteria provided, conflicting classifications (1 of 4 stars). 5 submissions from 5 submitters: Uncertain significance (2); Likely benign (2). 1 of the submissions does not count toward it. Last evaluated 2026-01-19.

Conditions:
Familial thoracic aortic aneurysm and aortic dissection (TAAD). Also called: Thoracic aortic aneurysms and dissections. Identifiers: Orphanet 91387, MedGen C4707243, MONDO:0019625.
FLNA-related disorder.
Heterotopia, periventricular, X-linked dominant (PVNH1). Also called: PERIVENTRICULAR NODULAR HETEROTOPIA 1; X-linked periventricular heterotopia; PERIVENTRICULAR NODULAR HETEROTOPIA 4; HETEROTOPIA, PERIVENTRICULAR, 1. Identifiers: Orphanet 2149, Orphanet 82004, MedGen C1848213, MONDO:0010233, OMIM 300049.
Oto-palato-digital syndrome, type II (OPD2). Also called: FACIOPALATOOSSEOUS SYNDROME; OPD II SYNDROME; Otopalatodigital Syndrome Type 2 (FLNA-OPD2); Otopalatodigital Syndrome, Type II. Identifiers: Orphanet 669, Orphanet 90652, MedGen C1844696, MONDO:0010571, OMIM 304120.
Frontometaphyseal dysplasia (FMD1). Identifiers: Orphanet 1826, MedGen C0265293, MONDO:0015942.
Melnick-Needles syndrome (MNS). Also called: MELNICK-NEEDLES OSTEODYSPLASTY; OSTEODYSPLASTY OF MELNICK AND NEEDLES; Melnick-Needles Syndrome (FLNA-MNS). Identifiers: Orphanet 2484, MedGen C0025237, MONDO:0010650, OMIM 309350.

Allele frequency attached by ClinVar (database versions not stated): ExAC 0.00003; gnomAD exomes 0.00003 and 0.00006; TOPMed 0.00006; gnomAD 0.00008 and 0.00011; 1000 Genomes Project 0.00053; 1000 Genomes Project 30x 0.00083.
gnomAD v4.1: 46 of 1,210,436 alleles (0.0038%); highest among the groups gnomAD compares: Admixed American, 0.078%; no homozygotes.

Submissions (5):

Labcorp Genetics (formerly Invitae), Labcorp
Classification: Likely benign for Oto-palato-digital syndrome, type II; Heterotopia, periventricular, X-linked dominant; Frontometaphyseal dysplasia; Melnick-Needles syndrome. Last evaluated: 2026-01-19. Review status: criteria provided, single submitter. Criteria: Invitae Variant Classification Sherloc (09022015). Collection method: clinical testing. Allele origin: germline.

GeneDx
Classification: Likely benign. Last evaluated: 2023-03-22. Review status: criteria provided, single submitter. Criteria: GeneDx Variant Classification Process June 2021. Collection method: clinical testing. Allele origin: germline. Affected: yes.
Comment: See Variant Classification Assertion Criteria.

Mayo Clinic Laboratories, Mayo Clinic
Classification: Uncertain significance. Last evaluated: 2022-08-25. Review status: criteria provided, single submitter. Criteria: ACMG Guidelines, 2015. Collection method: clinical testing. Allele origin: germline. Observed: 1 variant allele.
Comment: BP4, PP3

Ambry Genetics
Classification: Uncertain significance for Familial thoracic aortic aneurysm and aortic dissection. Last evaluated: 2018-12-17. Review status: criteria provided, single submitter. Criteria: Ambry Variant Classification Scheme 2023. Collection method: clinical testing. Allele origin: germline.
Comment: The p.I1963F variant (also known as c.5887A>T), located in coding exon 35 of the FLNA gene, results from an A to T substitution at nucleotide position 5887. The isoleucine at codon 1963 is replaced by phenylalanine, an amino acid with highly similar properties. This amino acid position is well conserved in available vertebrate species; however, phenylalanine is the reference amino acid in other vertebrate species. In addition, this alteration is predicted to be tolerated by in silico analysis. Since supporting evidence is limited at this time, the clinical significance of this alteration remains unclear.

PreventionGenetics, part of Exact Sciences
Classification: Likely benign for FLNA-related condition. Last evaluated: 2024-08-08. Review status: no assertion criteria provided. Collection method: clinical testing. Allele origin: germline. Not counted in ClinVar's aggregate classification.
Comment: This variant is classified as likely benign based on ACMG/AMP sequence variant interpretation guidelines (Richards et al. 2015 PMID: 25741868, with internal and published modifications).

NM_001110556.2(FLNA):c.5911A>T (p.Ile1971Phe)

Gene: FLNA (filamin A; minus strand). Cytogenetic location: Xq28.
Variant type: single nucleotide variant.
Coding change: c.5911A>T on transcript NM_001110556.2 (MANE Select); coding-DNA position 5911, A replaced by T.
Protein change: p.Ile1971Phe; replaces isoleucine 1971 with phenylalanine.
Molecular consequence: missense variant.
Genome position (GRCh38, 1-based): chrX:154,353,407, T>A on the plus strand (A>T on the coding strand, the complement: FLNA is on the minus strand). VCF-style: chrX-154353407-T-A. GRCh37 (hg19) VCF-style: chrX-153581775-T-A.
Other names: p.Ile1963Phe; c.5887A>T, p.Ile1963Phe (NM_001456.4); c.5911A>T (NM_001110556.1); short protein forms I1963F, I1971F.
Identifiers: ClinVar variation 465005 (VCV000465005.18), dbSNP rs190712778, ClinGen allele CA10560201.